The following is an entry in ClinVar:

NM_203290.4(POLR1C):c.923-5C>T

Gene: POLR1C (RNA polymerase I and III subunit C; plus strand). Cytogenetic location: 6p21.1.
Variant type: single nucleotide variant.
Coding change: c.923-5C>T on transcript NM_203290.4 (MANE Select); 5 bases into the intron before coding-DNA position 923, C replaced by T.
Molecular consequence: intron variant.
Genome position (GRCh38, 1-based): chr6:43,521,177, C>T. VCF-style: chr6-43521177-C-T. GRCh37 (hg19) VCF-style: chr6-43488915-C-T.
Other names: c.922+129C>T (NM_001318876.2, NM_001363658.2).
Identifiers: ClinVar variation 2304160 (VCV002304160.3), dbSNP rs754848781, ClinGen allele CA3825641.

ClinVar aggregate classification (germline): Conflicting classifications of pathogenicity. Review status: criteria provided, conflicting classifications (1 of 4 stars). 2 submissions from 2 submitters: Uncertain significance (1); Likely benign (1). Last evaluated 2026-01-26.

Conditions:
Inborn genetic diseases. Identifiers: MedGen C0950123, MeSH D030342.

Allele frequency attached by ClinVar (database versions not stated): ExAC 0.00001; gnomAD exomes 0.00001; gnomAD 0.00003; TOPMed 0.00004.
gnomAD v4.1: 16 of 1,613,852 alleles (0.00099%); highest among the groups gnomAD compares: Admixed American, 0.005%; no homozygotes.

Submissions (2):

Labcorp Genetics (formerly Invitae), Labcorp
Classification: Likely benign. Last evaluated: 2026-01-26. Review status: criteria provided, single submitter. Criteria: Invitae Variant Classification Sherloc (09022015). Collection method: clinical testing. Allele origin: germline.

Ambry Genetics
Classification: Uncertain significance for Inborn genetic diseases. Last evaluated: 2022-09-08. Review status: criteria provided, single submitter. Criteria: Ambry Variant Classification Scheme 2023. Collection method: clinical testing. Allele origin: germline.
Comment: The c.923-5C>T intronic alteration consists of a C to T substitution 5 nucleotides before coding exon 9 in the POLR1C gene. Based on insufficient or conflicting evidence, the clinical significance of this alteration remains unclear.